The following is an entry in ClinVar:

NM_000059.4(BRCA2):c.5495C>A (p.Ser1832Tyr)

Gene: BRCA2 (BRCA2 DNA repair associated; plus strand). Cytogenetic location: 13q13.1.
Variant type: single nucleotide variant.
Coding change: c.5495C>A on transcript NM_000059.4 (MANE Select); coding-DNA position 5495, C replaced by A.
Protein change: p.Ser1832Tyr; replaces serine 1832 with tyrosine.
Molecular consequence: missense variant.
Genome position (GRCh38, 1-based): chr13:32,339,850, C>A. VCF-style: chr13-32339850-C-A. GRCh37 (hg19) VCF-style: chr13-32913987-C-A.
Other names: p.S1832Y:TCT>TAT; 5723C>A; short protein forms S1832Y.
Identifiers: ClinVar variation 91415 (VCV000091415.45), dbSNP rs138489917, ClinGen allele CA022441.

ClinVar aggregate classification (germline): Conflicting classifications of pathogenicity. Review status: criteria provided, conflicting classifications (1 of 4 stars). 12 submissions from 12 submitters: Uncertain significance (4); Likely benign (6). 2 of the submissions do not count toward it. Last evaluated 2026-01-12.

Conditions:
BRCA2-related disorder. Also called: BRCA2-related condition; BRCA2-related disorders. Identifiers: MedGen CN239275.
Hereditary cancer-predisposing syndrome. Also called: Hereditary Cancer Syndrome; Tumor predisposition; Neoplastic Syndromes, Hereditary; Hereditary neoplastic syndrome. Identifiers: Orphanet 140162, MedGen C0027672, MeSH D009386, MONDO:0015356.
Hereditary breast ovarian cancer syndrome. Also called: Hereditary breast and ovarian cancer syndrome; Hereditary breast and/or ovarian cancer syndrome; Hereditary breast and ovarian cancer; Hereditary breast and ovarian cancer syndrome (HBOC); Breast and ovarian cancer; BRCA1- and BRCA2-Associated Hereditary Breast and Ovarian Cancer. Identifiers: Orphanet 145, MedGen C0677776, MeSH D061325, MONDO:0003582. Disease mechanism: loss of function.
Breast-ovarian cancer, familial, susceptibility to, 2 (BROVCA2). Also called: BRCA2 Hereditary Breast and Ovarian Cancer. Identifiers: Orphanet 145, MedGen C2675520, MONDO:0012933, OMIM 612555. Disease mechanism: loss of function.
Malignant tumor of breast. Also called: Malignant breast neoplasm; Cancer breast. Identifiers: MedGen C0006142, MONDO:0007254. Disease mechanism: loss of function.

Allele frequency attached by ClinVar (database versions not stated): gnomAD 0.00003; TOPMed 0.00006.
gnomAD v4.1: 11 of 1,613,294 alleles (0.00068%); highest among the groups gnomAD compares: East Asian, 0.0089%; no homozygotes.

Submissions 1 to 11 of 12:

Labcorp Genetics (formerly Invitae), Labcorp
Classification: Likely benign for Hereditary breast ovarian cancer syndrome. Last evaluated: 2026-01-12. Review status: criteria provided, single submitter. Criteria: Invitae Variant Classification Sherloc (09022015). Collection method: clinical testing. Allele origin: germline.

Women's Health and Genetics/Laboratory Corporation of America, LabCorp
Classification: Likely benign. Last evaluated: 2025-11-04. Review status: criteria provided, single submitter. Criteria: LabCorp Variant Classification Summary - May 2015. Collection method: clinical testing. Allele origin: germline.
Comment: Variant summary: BRCA2 c.5495C>A (p.Ser1832Tyr) results in a non-conservative amino acid change in the encoded protein sequence. Algorithms developed to predict the effect of missense changes on protein structure and function are either unavailable or do not agree on the potential impact of this missense change. The variant allele was found at a frequency of 1.6e-05 in 250668 control chromosomes (gnomAD). The available data on variant occurrences in the general population are insufficient to allow any conclusion about variant significance. c.5495C>A has been observed in individuals affected with breast cancer, however it was also reported in controls (e.g. Borg_2010, Momozawa_2018, Dorling_2021, Qin_2023). These reports do not provide unequivocal conclusions about association of the variant with Hereditary Breast And Ovarian Cancer Syndrome. A study using multifactorial probability likelihood analysis reported this variant as strong in favour of a benign outcome (Parsons_2019). At-least one co-occurrence with another pathogenic variant has been observed at our laboratory (BRCA1 c.5096G>A, p.Arg1699Gln), providing supporting evidence for a benign role. To our knowledge, no experimental evidence demonstrating an impact on protein function has been reported. The following publications have been ascertained in the context of this evaluation (PMID: 20104584, 21520273, 28222693, 30287823, 31131967). ClinVar contains an entry for this variant (Variation ID: 91415). Based on the evidence outlined above, the variant was classified as likely benign.

PreventionGenetics, part of Exact Sciences
Classification: Uncertain significance for BRCA2-related condition. Last evaluated: 2025-09-28. Review status: criteria provided, single submitter. Criteria: ACMG Guidelines, 2015. Collection method: clinical testing. Allele origin: germline.
Comment: The BRCA2 c.5495C>A variant is predicted to result in the amino acid substitution p.Ser1832Tyr. This variant has been identified in individuals with breast cancer, however no further information was provided regarding its pathogenicity (Table S2, Borg et al. 2010. PubMed ID: 20104584; Supplemental Data 1, Momozawa et al. 2018. PubMed ID: 30287823). It has also been detected in reportedly healthy individuals in breast cancer association studies (Breast Cancer Association Consortium et al. 2021. PubMed ID: 33471991; Table S1, Capanu et al. 2011. PubMed ID: 21520273). This variant is in a coldspot region where missense variants are very unlikely to be pathogenic (Dines et al. 2020. PubMed ID: 31911673). This variant is reported in 0.020% of alleles in individuals of East Asian descent in gnomAD and has conflicting interpretations in ClinVar ranging from likely benign and variant of uncertain significance (Variation ID: 91415). Although we suspect that this variant may be benign, the clinical significance of this variant is classified as uncertain at this time due to insufficient functional and genetic evidence.

Quest Diagnostics Nichols Institute San Juan Capistrano
Classification: Uncertain significance. Last evaluated: 2025-07-15. Review status: criteria provided, single submitter. Criteria: Quest Diagnostics criteria. Collection method: clinical testing. Allele origin: unknown.
Comment: The BRCA2 c.5495C>A (p.Ser1832Tyr) variant has been reported in the published literature in individuals affected with breast cancer (PMIDs: 33471991 (2021), 30287823 (2018), 21520273 (2011), 20104584 (2010)), as well as in reportedly healthy individuals in a breast cancer association study (PMID: 33471991 (2021), see also LOVD). In addition, this variant is reported to be located in a region of the BRCA2 gene that is tolerant to missense changes (PMID: 31911673 (2020)). The frequency of this variant in the general population (Genome Aggregation Database) is uninformative in the assessment of its pathogenicity. Analysis of this variant using bioinformatics tools for the prediction of the effect of amino acid changes on protein structure and function yielded conflicting predictions that this variant is benign or damaging. Based on the available information, we are unable to determine the clinical significance of this variant.

GeneDx
Classification: Uncertain significance. Last evaluated: 2025-04-18. Review status: criteria provided, single submitter. Criteria: GeneDx Variant Classification Process June 2021. Collection method: clinical testing. Allele origin: germline. Affected: yes.
Comment: Observed in individuals with breast cancer (PMID: 20104584, 30287823, 33471991); Not observed at significant frequency in large population cohorts (gnomAD); In silico analysis supports that this missense variant has a deleterious effect on protein structure/function; Also known as 5723C>A; This variant is associated with the following publications: (PMID: 20104584, 28222693, 30311378, 30212499, 30287823, 31131967, 21520273, 32377563, 29884841, 33471991)

ARUP Laboratories, Molecular Genetics and Genomics, ARUP Laboratories
Classification: Uncertain significance. Last evaluated: 2024-02-28. Review status: criteria provided, single submitter. Criteria: ARUP Molecular Germline Variant Investigation Process 2024. Collection method: clinical testing. Allele origin: germline.
Comment: The BRCA2 c.5495C>A; p.Ser1832Tyr variant (rs138489917) has been reported in the literature in multiple individuals with breast cancer, but without evidence of pathogenicity (Borg 2010, Momozawa 2018). This variant is reported in ClinVar (Variation ID: 91415), and observed in the East Asian population at an overall frequency of 0.021% (4/18860 alleles) in the Genome Aggregation Database. The tyrosine at codon 1832 is weakly conserved, does not occur in a clinically relevant functional domain, and computational analyses predict that this variant is neutral (BayesDel: -0.11). Based on available information, this variant is considered to be likely benign. References: Borg A et al. Characterization of BRCA1 and BRCA2 deleterious mutations and variants of unknown clinical significance in unilateral and bilateral breast cancer: the WECARE study. Hum Mutat. 2010 Mar;31(3):E1200-40. PMID: 20104584. Momozawa Y et al. Germline pathogenic variants of 11 breast cancer genes in 7,051 Japanese patients and 11,241 controls. Nat Commun. 2018 Oct 4;9(1):4083. PMID: 30287823.

All of Us Research Program, National Institutes of Health
Classification: Likely benign for Breast-ovarian cancer, familial, susceptibility to, 2. Last evaluated: 2023-12-13. Review status: criteria provided, single submitter. Criteria: ACMG Guidelines, 2015. Collection method: clinical testing. Allele origin: germline. Inheritance: Autosomal dominant inheritance. Observed: 2 variant alleles, 2 heterozygotes.
Comment: This study involves interpretation of variants in research participants for the purpose of population health screening. Participant phenotype was not available at the time of variant classification. Additional details can be found in publication PMID: 35346344, PMCID: PMC8962531

University of Washington Department of Laboratory Medicine, University of Washington
Classification: Likely benign for Hereditary cancer-predisposing syndrome. Last evaluated: 2023-03-23. Review status: criteria provided, single submitter. Criteria: Dines et al. (Genet Med. 2020). Collection method: curation. Allele origin: germline.
Comment: Missense variant in a coldspot region where missense variants are very unlikely to be pathogenic (PMID:31911673).

BRCA2 exon 11 coldspot. Reclassification based on statistical prior probability.

Color Diagnostics, LLC DBA Color Health
Classification: Likely benign for Hereditary cancer-predisposing syndrome. Last evaluated: 2017-06-21. Review status: criteria provided, single submitter. Criteria: ACMG Guidelines, 2015. Collection method: clinical testing. Allele origin: germline.

Ambry Genetics
Classification: Likely benign for Hereditary cancer-predisposing syndrome. Last evaluated: 2017-01-03. Review status: criteria provided, single submitter. Criteria: Ambry Variant Classification Scheme 2023. Collection method: clinical testing. Allele origin: germline.

Sharing Clinical Reports Project (SCRP)
Classification: Likely benign for Breast-ovarian cancer, familial 2. Last evaluated: 2012-09-12. Review status: no assertion criteria provided. Collection method: clinical testing. Allele origin: germline. Not counted in ClinVar's aggregate classification.